The following is an entry in ClinVar:

ClinVar aggregate classification (germline): Uncertain significance (1 of 4 stars; one submission).

Conditions:
Intellectual developmental disorder, X-linked, syndromic, Claes-Jensen type. Also called: Syndromic X-linked intellectual disability Claes-Jensen type; INTELLECTUAL DEVELOPMENTAL DISORDER, X-LINKED, SYNDROMIC 16; MENTAL RETARDATION, X-LINKED, SYNDROMIC 16. Identifiers: Orphanet 85279, MedGen C1845243, MONDO:0010355, OMIM 300534.

Allele frequency attached by ClinVar (database versions not stated): gnomAD 0.00001.
gnomAD v4.1: 1 of 1,210,132 alleles (0.000083%); highest among the groups gnomAD compares: Admixed American, 0.0022%; no homozygotes.

Submissions (3):

GeneDx
Classification: Uncertain significance. Last evaluated: 2022-01-21. Review status: criteria provided, single submitter. Criteria: GeneDx Variant Classification Process June 2021. Collection method: clinical testing. Allele origin: germline. Affected: yes.
Comment: Not observed at significant frequency in large population cohorts (gnomAD); In silico analysis supports that this missense variant has a deleterious effect on protein structure/function; Has not been previously published as pathogenic or benign to our knowledge

Dr. Peter K. Rogan Lab, Western University
No classification provided (evidence only). Condition: Nonpapillary renal cell carcinoma. Review status: no classification provided. Collection method: in vitro. Allele origin: not applicable. Functional consequence: retained intron. Not counted in ClinVar's aggregate classification.

Dr. Peter K. Rogan Lab, Western University
No classification provided (evidence only). Condition: Nonpapillary renal cell carcinoma. Review status: no classification provided. Collection method: in vitro. Allele origin: not applicable. Functional consequence: retained intron. Not counted in ClinVar's aggregate classification.

NM_004187.5(KDM5C):c.659C>T (p.Pro220Leu)

Gene: KDM5C (lysine demethylase 5C; minus strand). Cytogenetic location: Xp11.22.
Variant type: single nucleotide variant.
Coding change: c.659C>T on transcript NM_004187.5 (MANE Select); coding-DNA position 659, C replaced by T.
Protein change: p.Pro220Leu; replaces proline 220 with leucine.
Molecular consequence: missense variant. On other transcripts: non-coding transcript variant (3).
Genome position (GRCh38, 1-based): chrX:53,216,196, G>A on the plus strand (C>T on the coding strand, the complement: KDM5C is on the minus strand). VCF-style: chrX-53216196-G-A. GRCh37 (hg19) VCF-style: chrX-53245378-G-A.
Other names: NC_000023.10:g.53245378G>A; c.659C>T (NM_004187.3); c.458C>T, p.Pro153Leu (NM_001146702.2); c.656C>T, p.Pro219Leu (NM_001282622.3, NM_001353979.2, NM_001353982.2); c.659C>T, p.Pro220Leu (NM_001353978.3, NM_001353981.2, NM_001353984.2); short protein forms P153L, P219L, P220L.
Identifiers: ClinVar variation 1698037 (VCV001698037.4), dbSNP rs2073736194, ClinGen allele CA413133626.